The following is an entry in ClinVar:

NM_000059.4(BRCA2):c.5807T>G (p.Met1936Arg)

Gene: BRCA2 (BRCA2 DNA repair associated; plus strand). Cytogenetic location: 13q13.1.
Variant type: single nucleotide variant.
Coding change: c.5807T>G on transcript NM_000059.4 (MANE Select); coding-DNA position 5807, T replaced by G.
Protein change: p.Met1936Arg; replaces methionine 1936 with arginine.
Molecular consequence: missense variant.
Genome position (GRCh38, 1-based): chr13:32,340,162, T>G. VCF-style: chr13-32340162-T-G. GRCh37 (hg19) VCF-style: chr13-32914299-T-G.
Other names: short protein forms M1936R.
Identifiers: ClinVar variation 640054 (VCV000640054.10), dbSNP rs1376128381, ClinGen allele CA387787240.

ClinVar aggregate classification (germline): Conflicting classifications of pathogenicity. Review status: criteria provided, conflicting classifications (1 of 4 stars). 2 submissions from 2 submitters: Uncertain significance (1); Likely benign (1). Last evaluated 2023-03-23.

Conditions:
Hereditary cancer-predisposing syndrome. Also called: Neoplastic Syndromes, Hereditary; Tumor predisposition; Hereditary Cancer Syndrome; Hereditary neoplastic syndrome. Identifiers: Orphanet 140162, MedGen C0027672, MeSH D009386, MONDO:0015356.
Hereditary breast ovarian cancer syndrome. Also called: Hereditary breast and ovarian cancer; Hereditary breast and ovarian cancer syndrome (HBOC); BRCA1- and BRCA2-Associated Hereditary Breast and Ovarian Cancer; Hereditary breast and ovarian cancer syndrome; Hereditary breast and/or ovarian cancer syndrome; Breast and ovarian cancer. Identifiers: Orphanet 145, MedGen C0677776, MeSH D061325, MONDO:0003582. Disease mechanism: loss of function.

Submissions (2):

University of Washington Department of Laboratory Medicine, University of Washington
Classification: Likely benign for Hereditary cancer-predisposing syndrome. Last evaluated: 2023-03-23. Review status: criteria provided, single submitter. Criteria: Dines et al. (Genet Med. 2020). Collection method: curation. Allele origin: germline.
Comment: Missense variant in a coldspot region where missense variants are very unlikely to be pathogenic (PMID:31911673).

BRCA2 exon 11 coldspot. Reclassification based on statistical prior probability.

Labcorp Genetics (formerly Invitae), Labcorp
Classification: Uncertain significance for Hereditary breast ovarian cancer syndrome. Last evaluated: 2018-11-16. Review status: criteria provided, single submitter. Criteria: Invitae Variant Classification Sherloc (09022015). Collection method: clinical testing. Allele origin: germline.
Comment: Algorithms developed to predict the effect of sequence changes on RNA splicing suggest that this variant may create or strengthen a splice site, but this prediction has not been confirmed by published transcriptional studies. In summary, the available evidence is currently insufficient to determine the role of this variant in disease. Therefore, it has been classified as a Variant of Uncertain Significance. Algorithms developed to predict the effect of missense changes on protein structure and function are either unavailable or do not agree on the potential impact of this missense change (SIFT: "Tolerated"; PolyPhen-2: "Possibly Damaging"; Align-GVGD: "Class C0"). This variant has not been reported in the literature in individuals with BRCA2-related disease. This variant is not present in population databases (ExAC no frequency). This sequence change replaces methionine with arginine at codon 1936 of the BRCA2 protein (p.Met1936Arg). The methionine residue is weakly conserved and there is a moderate physicochemical difference between methionine and arginine.